The following is an entry in ClinVar:

ClinVar aggregate classification (germline): Uncertain significance (1 of 4 stars; one submission).

Submission:

GeneDx
Classification: Uncertain significance. Last evaluated: 2025-01-23. Review status: criteria provided, single submitter. Criteria: GeneDx Variant Classification Process June 2021. Collection method: clinical testing. Allele origin: germline. Affected: yes.
Comment: Not observed at significant frequency in large population cohorts (gnomAD); In silico analysis supports that this missense variant has a deleterious effect on protein structure/function; Has not been previously published as pathogenic or benign to our knowledge

NM_002911.4(UPF1):c.1858G>C (p.Ala620Pro)

Gene: UPF1 (UPF1 RNA helicase and ATPase; plus strand). Cytogenetic location: 19p13.11.
Variant type: single nucleotide variant.
Coding change: c.1858G>C on transcript NM_002911.4 (MANE Select); coding-DNA position 1858, G replaced by C.
Protein change: p.Ala620Pro; replaces alanine 620 with proline.
Molecular consequence: missense variant.
Genome position (GRCh38, 1-based): chr19:18,856,910, G>C. VCF-style: chr19-18856910-G-C. GRCh37 (hg19) VCF-style: chr19-18967719-G-C.
Other names: c.1891G>C, p.Ala631Pro (NM_001297549.2); short protein forms A620P, A631P.
Identifiers: ClinVar variation 4071819 (VCV004071819.1).